The following is an entry in ClinVar:

NM_001127222.2(CACNA1A):c.6005G>C (p.Gly2002Ala)

Gene: CACNA1A (calcium voltage-gated channel subunit alpha1 A; minus strand). Cytogenetic location: 19p13.13.
Variant type: single nucleotide variant.
Coding change: c.6005G>C on transcript NM_001127222.2 (MANE Select); coding-DNA position 6005, G replaced by C.
Protein change: p.Gly2002Ala; replaces glycine 2002 with alanine.
Molecular consequence: missense variant.
Genome position (GRCh38, 1-based): chr19:13,212,676, C>G on the plus strand (G>C on the coding strand, the complement: CACNA1A is on the minus strand). VCF-style: chr19-13212676-C-G. GRCh37 (hg19) VCF-style: chr19-13323490-C-G.
Other names: NP_001120694.1:p.(Gly2002Ala); c.6023G>C, p.Gly2008Ala (NM_000068.4, NM_023035.3); c.6008G>C, p.Gly2003Ala (NM_001127221.2); c.6014G>C, p.Gly2005Ala (NM_001174080.2); short protein forms G2002A, G2003A, G2005A, G2008A.
Identifiers: ClinVar variation 1694898 (VCV001694898.32), dbSNP rs1402384624, ClinGen allele CA404333480.

ClinVar aggregate classification (germline): Uncertain significance. Review status: criteria provided, multiple submitters, no conflicts (2 of 4 stars). 2 submissions from 2 submitters: Uncertain significance (2). Last evaluated 2024-01-01.

Conditions:
Developmental and epileptic encephalopathy. Identifiers: MedGen C5779964, MONDO:0100620.

Allele frequency attached by ClinVar (database versions not stated): gnomAD exomes 0.00001.
gnomAD v4.1: 2 of 1,512,706 alleles (0.00013%); highest among the groups gnomAD compares: Non-Finnish European, 0.00018%; no homozygotes.

Submissions (2):

Unidad de Genómica Garrahan, Hospital de Pediatría Garrahan
Classification: Uncertain significance for Developmental and epileptic encephalopathy. Last evaluated: 2024-01-01. Review status: criteria provided, single submitter. Criteria: ACMG Guidelines, 2015. Collection method: clinical testing. Allele origin: germline. Affected: yes. Observed: 1 variant allele.
Comment: ACMG/AMP criteria applied: PM2_supporting, PP2_supporting.

CeGaT Center for Human Genetics Tuebingen
Classification: Uncertain significance. Last evaluated: 2022-06-01. Review status: criteria provided, single submitter. Criteria: CeGaT Center For Human Genetics Tuebingen Variant Classification Criteria Version 2. Collection method: clinical testing. Allele origin: germline. Affected: yes. Observed: 1 variant allele.
Comment: CACNA1A: PP2